The following is an entry in ClinVar:

NM_000202.8(IDS):c.836T>G (p.Leu279Ter)

Genes: IDS (iduronate 2-sulfatase; minus strand), LOC106050102 (IDS recombination region; plus strand). Cytogenetic location: Xq28.
Variant type: single nucleotide variant.
Coding change: c.836T>G on transcript NM_000202.8 (MANE Select); coding-DNA position 836, T replaced by G.
Protein change: p.Leu279Ter; replaces leucine 279 with a stop codon.
Molecular consequence: nonsense. On other transcripts: non-coding transcript variant (1).
Genome position (GRCh38, 1-based): chrX:149,496,389, A>C on the plus strand (T>G on the coding strand, the complement: IDS is on the minus strand). VCF-style: chrX-149496389-A-C. GRCh37 (hg19) VCF-style: chrX-148577920-A-C.
Other names: c.566T>G, p.Leu189Ter (NM_001166550.4); c.836T>G, p.Leu279Ter (NM_006123.5); short protein forms L189*, L279*.
Identifiers: ClinVar variation 3255859 (VCV003255859.2).

ClinVar aggregate classification (germline): Pathogenic (1 of 4 stars; one submission).

Conditions:
Mucopolysaccharidosis, MPS-II (MPS2). Also called: Hunter Syndrome; IDURONATE 2-SULFATASE DEFICIENCY; Mucopolysaccharidosis Type II; Mucopolysaccharidosis type 2; Attenuated MPS (subtype; formerly known as mild MPS II); Severe MPS II. Identifiers: Orphanet 580, Orphanet 79388, MedGen C0026705, MONDO:0010674, OMIM 309900.

Submission:

Laboratory of Diagnosis and Therapy of Lysosomal Disorders, University of Padova
Classification: Pathogenic for Mucopolysaccharidosis, MPS-II. Last evaluated: 2024-06-07. Review status: criteria provided, single submitter. Criteria: ACMG Guidelines, 2015. Collection method: literature only. Allele origin: germline. Affected: yes. Observed: 2 variant alleles.
Comment: Null variant (PVS1_VeryStrong), Absent from controls (or at low frequency) in gnomAD database (PM2_Moderate), Patient’s phenotype or family history highly specific for the disease (PP4_Moderate)

Classification method: ACMG Guidelines [PMID:25741868] with modifications

Literature cited by the submitters: PubMed 8830188; PubMed 9950361.